The following is an entry in ClinVar:

NM_006734.4(HIVEP2):c.6522A>T (p.Leu2174Phe)

Gene: HIVEP2 (HIVEP zinc finger 2; minus strand). Cytogenetic location: 6q24.2.
Variant type: single nucleotide variant.
Coding change: c.6522A>T on transcript NM_006734.4 (MANE Select); coding-DNA position 6522, A replaced by T.
Protein change: p.Leu2174Phe; replaces leucine 2174 with phenylalanine.
Molecular consequence: missense variant.
Genome position (GRCh38, 1-based): chr6:142,753,926, T>A on the plus strand (A>T on the coding strand, the complement: HIVEP2 is on the minus strand). VCF-style: chr6-142753926-T-A. GRCh37 (hg19) VCF-style: chr6-143075063-T-A.
Other names: c.6522A>T (NM_006734.3); short protein forms L2174F.
Identifiers: ClinVar variation 2656950 (VCV002656950.25), dbSNP rs1330118854, ClinGen allele CA365942312.

ClinVar aggregate classification (germline): Conflicting classifications of pathogenicity. Review status: criteria provided, conflicting classifications (1 of 4 stars). 2 submissions from 2 submitters: Uncertain significance (1); Likely benign (1). Last evaluated 2025-09-10.

Conditions:
Inborn genetic diseases. Identifiers: MedGen C0950123, MeSH D030342.

Allele frequency attached by ClinVar (database versions not stated): TOPMed below 0.00001; gnomAD 0.00001.
gnomAD v4.1: 2 of 1,562,948 alleles (0.00013%); highest among the groups gnomAD compares: Non-Finnish European, 0.00017%; no homozygotes.

Submissions (2):

Ambry Genetics
Classification: Uncertain significance for Inborn genetic diseases. Last evaluated: 2025-09-10. Review status: criteria provided, single submitter. Criteria: Ambry Variant Classification Scheme 2023. Collection method: clinical testing. Allele origin: germline.

CeGaT Center for Human Genetics Tuebingen
Classification: Likely benign. Last evaluated: 2023-06-01. Review status: criteria provided, single submitter. Criteria: CeGaT Center For Human Genetics Tuebingen Variant Classification Criteria Version 2. Collection method: clinical testing. Allele origin: germline. Affected: yes. Observed: 1 variant allele.
Comment: HIVEP2: BP5